The following is an entry in ClinVar:

NC_000007.13:g.(?_5769043)_(5769247_?)del

Gene: RNF216 (ring finger protein 216; minus strand). Cytogenetic location: 7p22.1.
Variant type: Deletion.
Identifiers: ClinVar variation 2427774 (VCV002427774.4).

ClinVar aggregate classification (germline): Uncertain significance (1 of 4 stars; one submission).

Submission:

Labcorp Genetics (formerly Invitae), Labcorp
Classification: Uncertain significance. Last evaluated: 2022-06-14. Review status: criteria provided, single submitter. Criteria: Invitae Variant Classification Sherloc (09022015). Collection method: clinical testing. Allele origin: germline.
Comment: In summary, the available evidence is currently insufficient to determine the role of this variant in disease. Therefore, it has been classified as a Variant of Uncertain Significance. Experimental studies and prediction algorithms are not available or were not evaluated, and the functional significance of this variant is currently unknown. This variant has not been reported in the literature in individuals affected with RNF216-related conditions. This variant is a gross deletion of the genomic region encompassing exon(s) 7 of the RNF216 gene. This variant would be expected to be in-frame, preserving the integrity of the reading frame.